The following is an entry in ClinVar:

NM_001042492.3(NF1):c.1186-13del

Gene: NF1 (neurofibromin 1; plus strand). Cytogenetic location: 17q11.2.
Variant type: Deletion.
Coding change: c.1186-13del on transcript NM_001042492.3 (MANE Select); 13 bases into the intron before coding-DNA position 1186, one base deleted (T; older notation c.1186-13delT).
Molecular consequence: intron variant.
Genome position (GRCh38, 1-based): chr17:31,201,398, T deleted; the last of 10 consecutive T bases (chr17:31,201,389-31,201,398); deleting any one gives the same sequence. VCF-style (leftmost placement, unchanged base first): chr17-31201388-CT-C. GRCh37 (hg19) VCF-style: chr17-29528406-CT-C.
Other names: c.1186-22delT (NM_000267.3); c.1186-13delT (NM_000267.3); c.1186-13del (NM_000267.4, NM_001128147.3).
Identifiers: ClinVar variation 439970 (VCV000439970.39), dbSNP rs763903212, ClinGen allele CA8485710.

ClinVar aggregate classification (germline): Benign. Review status: criteria provided, multiple submitters, no conflicts (2 of 4 stars). 5 submissions from 5 submitters: Benign (5). Last evaluated 2022-10-03.

Conditions:
Hereditary cancer-predisposing syndrome. Also called: Hereditary neoplastic syndrome; Tumor predisposition; Hereditary Cancer Syndrome; Neoplastic Syndromes, Hereditary. Identifiers: Orphanet 140162, MedGen C0027672, MeSH D009386, MONDO:0015356.
Neurofibromatosis, type 1 (NF1). Also called: Peripheral type neurofibromatosis; NEUROFIBROMATOSIS, TYPE I, SOMATIC; VON RECKLINGHAUSEN DISEASE; Neurofibromatosis, type I. Identifiers: Orphanet 636, MedGen C0027831, MONDO:0018975, OMIM 162200. Disease mechanism: loss of function.

Submissions (5):

Labcorp Genetics (formerly Invitae), Labcorp
Classification: Benign for Neurofibromatosis, type 1. Last evaluated: 2022-10-03. Review status: criteria provided, single submitter. Criteria: Invitae Variant Classification Sherloc (09022015). Collection method: clinical testing. Allele origin: germline.

CeGaT Center for Human Genetics Tuebingen
Classification: Benign. Last evaluated: 2022-10-01. Review status: criteria provided, single submitter. Criteria: CeGaT Center For Human Genetics Tuebingen Variant Classification Criteria Version 2. Collection method: clinical testing. Allele origin: germline. Affected: yes. Observed: 2 variant alleles.
Comment: NF1: BS1, BS2

Genome-Nilou Lab
Classification: Benign for Neurofibromatosis, type 1. Last evaluated: 2022-03-15. Review status: criteria provided, single submitter. Criteria: ACMG Guidelines, 2015. Collection method: clinical testing. Allele origin: germline. Affected: no.

Sema4
Classification: Benign for Hereditary cancer-predisposing syndrome. Last evaluated: 2021-01-25. Review status: criteria provided, single submitter. Criteria: Sema4 Curation Guidelines. Collection method: curation. Allele origin: germline.

ARUP Laboratories, Molecular Genetics and Genomics, ARUP Laboratories
Classification: Benign. Last evaluated: 2016-08-08. Review status: criteria provided, single submitter. Criteria: ARUP Molecular Germline Variant Investigation Process. Collection method: clinical testing. Allele origin: germline.